The following is an entry in ClinVar:

ClinVar aggregate classification (germline): Conflicting classifications of pathogenicity. Review status: criteria provided, conflicting classifications (1 of 4 stars). 2 submissions from 2 submitters: Uncertain significance (1); Likely benign (1). Last evaluated 2024-03-18.

Conditions:
Polycystic kidney disease, adult type (PKD1). Also called: POLYCYSTIC KIDNEY DISEASE, ADULT, TYPE I; Polycystic Kidney Disease 1, Autosomal Dominant; Polycystic kidney disease 1; Polycystic kidney disease 1, severe; Polycystic Kidney, Autosomal Dominant; POLYCYSTIC KIDNEY DISEASE 1 WITH OR WITHOUT POLYCYSTIC LIVER DISEASE. Identifiers: MedGen C3149841, MONDO:0008263, OMIM 173900.

Allele frequency attached by ClinVar (database versions not stated): gnomAD exomes 0.00001; TOPMed 0.00001; ExAC 0.00002.
gnomAD v4.1: 18 of 1,610,714 alleles (0.0011%); highest among the groups gnomAD compares: Middle Eastern, 0.021%; no homozygotes.

Submissions (2):

Fulgent Genetics
Classification: Uncertain significance for Polycystic kidney disease, adult type. Last evaluated: 2024-03-18. Review status: criteria provided, single submitter. Criteria: ACMG Guidelines, 2015. Collection method: clinical testing. Allele origin: germline.

CeGaT Center for Human Genetics Tuebingen
Classification: Likely benign. Last evaluated: 2023-07-01. Review status: criteria provided, single submitter. Criteria: CeGaT Center For Human Genetics Tuebingen Variant Classification Criteria Version 2. Collection method: clinical testing. Allele origin: germline. Affected: yes. Observed: 1 variant allele.
Comment: PKD1: BP4

NM_001009944.3(PKD1):c.9034A>G (p.Thr3012Ala)

Gene: PKD1 (polycystin 1, transient receptor potential channel interacting; minus strand). Cytogenetic location: 16p13.3.
Variant type: single nucleotide variant.
Coding change: c.9034A>G on transcript NM_001009944.3 (MANE Select); coding-DNA position 9034, A replaced by G.
Protein change: p.Thr3012Ala; replaces threonine 3012 with alanine.
Molecular consequence: missense variant.
Genome position (GRCh38, 1-based): chr16:2,102,548, T>C on the plus strand (A>G on the coding strand, the complement: PKD1 is on the minus strand). VCF-style: chr16-2102548-T-C. GRCh37 (hg19) VCF-style: chr16-2152549-T-C.
Other names: c.9034A>G, p.Thr3012Ala (NM_000296.4); short protein forms T3012A.
Identifiers: ClinVar variation 2645996 (VCV002645996.25), dbSNP rs767541153, ClinGen allele CA7830214.
Genomic context (GRCh38, chr16:2,102,548, plus strand): 5'-GCAGCAGCCCCTCTGTCCGCCACACCATGTCCTCCTCGCTGAAGTACTGGCACAGGGACG[T>C]GTACAGGCCCACGGACACCTGCAGCGCCGACCAGCGGAAGTGGCTGGAGAGGTTCAGATG-3'
Protein context (NP_001009944.3, residues 3002-3022): SALQVSVGLY[Thr3012Ala]SLCQYFSEED